The following is an entry in ClinVar:

NM_002578.5(PAK3):c.31C>T (p.Pro11Ser)

Gene: PAK3 (p21 (RAC1) activated kinase 3; plus strand). Cytogenetic location: Xq23.
Variant type: single nucleotide variant.
Coding change: c.31C>T on transcript NM_002578.5 (MANE Select); coding-DNA position 31, C replaced by T.
Protein change: p.Pro11Ser; replaces proline 11 with serine.
Molecular consequence: missense variant. On other transcripts: non-coding transcript variant (9).
Genome position (GRCh38, 1-based): chrX:111,123,134, C>T. VCF-style: chrX-111123134-C-T. GRCh37 (hg19) VCF-style: chrX-110366362-C-T.
Other names: c.31C>T, p.Pro11Ser (NM_001128166.3, NM_001128167.3, NM_001128168.3 and 12 more transcripts); short protein forms P11S.
Identifiers: ClinVar variation 3392914 (VCV003392914.1).

ClinVar aggregate classification (germline): Uncertain significance (1 of 4 stars; one submission).

Submission:

GeneDx
Classification: Uncertain significance. Last evaluated: 2024-06-26. Review status: criteria provided, single submitter. Criteria: GeneDx Variant Classification Process June 2021. Collection method: clinical testing. Allele origin: germline. Affected: yes.
Comment: Not observed at significant frequency in large population cohorts (gnomAD); In silico analysis supports that this missense variant has a deleterious effect on protein structure/function; Has not been previously published as pathogenic or benign to our knowledge